The following is an entry in ClinVar:

ClinVar aggregate classification (germline): Uncertain significance (1 of 4 stars; one submission).

Conditions:
Menkes kinky-hair syndrome (MNK). Also called: Copper transport disease; Menkes Disease; Classic Menkes Disease. Identifiers: Orphanet 565, MedGen C0022716, MONDO:0010651, OMIM 309400.
Cutis laxa, X-linked (OHS). Also called: EDS IX; Occipital horn syndrome. Identifiers: Orphanet 198, MedGen C0268353, MONDO:0010572, OMIM 304150.
X-linked distal spinal muscular atrophy type 3. Also called: ATP7A-Related Distal Motor Neuropathy; SPINAL MUSCULAR ATROPHY, DISTAL, X-LINKED RECESSIVE; NEURONOPATHY, DISTAL HEREDITARY MOTOR, X-LINKED; NEUROPATHY, DISTAL HEREDITARY MOTOR, X-LINKED. Identifiers: Orphanet 139557, MedGen C1845359, MONDO:0010338, OMIM 300489.

Submission:

Labcorp Genetics (formerly Invitae), Labcorp
Classification: Uncertain significance for X-linked distal spinal muscular atrophy type 3; Cutis laxa, X-linked; Menkes kinky-hair syndrome. Last evaluated: 2023-02-25. Review status: criteria provided, single submitter. Criteria: Invitae Variant Classification Sherloc (09022015). Collection method: clinical testing. Allele origin: germline.
Comment: In summary, the available evidence is currently insufficient to determine the role of this variant in disease. Therefore, it has been classified as a Variant of Uncertain Significance. Advanced modeling of protein sequence and biophysical properties (such as structural, functional, and spatial information, amino acid conservation, physicochemical variation, residue mobility, and thermodynamic stability) performed at Invitae indicates that this missense variant is not expected to disrupt ATP7A protein function. This variant has not been reported in the literature in individuals affected with ATP7A-related conditions. This variant is not present in population databases (gnomAD no frequency). This sequence change replaces glutamic acid, which is acidic and polar, with aspartic acid, which is acidic and polar, at codon 230 of the ATP7A protein (p.Glu230Asp).

NM_000052.7(ATP7A):c.690A>C (p.Glu230Asp)

Gene: ATP7A (ATPase copper transporting alpha; plus strand). Cytogenetic location: Xq21.1.
Variant type: single nucleotide variant.
Coding change: c.690A>C on transcript NM_000052.7 (MANE Select); coding-DNA position 690, A replaced by C.
Protein change: p.Glu230Asp; replaces glutamic acid 230 with aspartic acid.
Molecular consequence: missense variant.
Genome position (GRCh38, 1-based): chrX:77,989,312, A>C. VCF-style: chrX-77989312-A-C. GRCh37 (hg19) VCF-style: chrX-77244808-A-C.
Other names: c.690A>C, p.Glu230Asp (NM_001282224.2); short protein forms E230D.
Identifiers: ClinVar variation 2944724 (VCV002944724.3), dbSNP rs2522292797, ClinGen allele CA413600597.